The following is an entry in ClinVar:

ClinVar aggregate classification (germline): Uncertain significance (1 of 4 stars; one submission).

Allele frequency attached by ClinVar (database versions not stated): gnomAD 0.00001; TOPMed 0.00001.
gnomAD v4.1: 3 of 1,588,622 alleles (0.00019%); highest among the groups gnomAD compares: African/African-American, 0.0041%; no homozygotes.

Submission:

Labcorp Genetics (formerly Invitae), Labcorp
Classification: Uncertain significance. Last evaluated: 2022-03-27. Review status: criteria provided, single submitter. Criteria: Invitae Variant Classification Sherloc (09022015). Collection method: clinical testing. Allele origin: germline.
Comment: This sequence change replaces asparagine, which is neutral and polar, with isoleucine, which is neutral and non-polar, at codon 255 of the IFT74 protein (p.Asn255Ile). In summary, the available evidence is currently insufficient to determine the role of this variant in disease. Therefore, it has been classified as a Variant of Uncertain Significance. Algorithms developed to predict the effect of missense changes on protein structure and function are either unavailable or do not agree on the potential impact of this missense change (SIFT: "Deleterious"; PolyPhen-2: "Benign"; Align-GVGD: "Class C0"). This variant has not been reported in the literature in individuals affected with IFT74-related conditions. This variant is not present in population databases (gnomAD no frequency).

NM_025103.4(IFT74):c.764A>T (p.Asn255Ile)

Gene: IFT74 (intraflagellar transport 74; plus strand). Cytogenetic location: 9p21.2.
Variant type: single nucleotide variant.
Coding change: c.764A>T on transcript NM_025103.4 (MANE Select); coding-DNA position 764, A replaced by T.
Protein change: p.Asn255Ile; replaces asparagine 255 with isoleucine.
Molecular consequence: missense variant.
Genome position (GRCh38, 1-based): chr9:27,011,943, A>T. VCF-style: chr9-27011943-A-T. GRCh37 (hg19) VCF-style: chr9-27011941-A-T.
Other names: c.764A>T, p.Asn255Ile (NM_001099222.3, NM_001099223.3, NM_001099224.3 and 1 more transcripts); short protein forms N255I.
Identifiers: ClinVar variation 1937107 (VCV001937107.5), dbSNP rs1436223699, ClinGen allele CA373117796.